The following is an entry in ClinVar:

NM_014874.4(MFN2):c.1525G>A (p.Val509Met)

Gene: MFN2 (mitofusin 2; plus strand). Cytogenetic location: 1p36.22.
Variant type: single nucleotide variant.
Coding change: c.1525G>A on transcript NM_014874.4 (MANE Select); coding-DNA position 1525, G replaced by A.
Protein change: p.Val509Met; replaces valine 509 with methionine.
Molecular consequence: missense variant.
Genome position (GRCh38, 1-based): chr1:12,005,740, G>A. VCF-style: chr1-12005740-G-A. GRCh37 (hg19) VCF-style: chr1-12065797-G-A.
Other names: c.1525G>A, p.Val509Met (NM_001127660.2); short protein forms V509M.
Identifiers: ClinVar variation 2879439 (VCV002879439.3), dbSNP rs945014959, ClinGen allele CA338447876.
Genomic context (GRCh38, chr1:12,005,740, plus strand): 5'-TAAGCTTTTCCTCCATTTCTCTTCCTGACAGATGGCTTGAAACCCCTCCTTCCTGTGTCT[G>A]TGCGGAGTCAGATAGACATGCTGGTCCCACGCCAGTGCTTCTCCCTCAACTATGACCTAA-3'
Protein context (NP_055689.1, residues 499-519): DGLKPLLPVS[Val509Met]RSQIDMLVPR

ClinVar aggregate classification (germline): Uncertain significance (1 of 4 stars; one submission).

Conditions:
Charcot-Marie-Tooth disease type 2. Also called: Charcot-Marie-Tooth type 2. Identifiers: Orphanet 64746, MedGen C0270914, MONDO:0018993.

Submission:

Labcorp Genetics (formerly Invitae), Labcorp
Classification: Uncertain significance for Charcot-Marie-Tooth disease type 2. Last evaluated: 2024-01-19. Review status: criteria provided, single submitter. Criteria: Invitae Variant Classification Sherloc (09022015). Collection method: clinical testing. Allele origin: germline.
Comment: This sequence change replaces valine, which is neutral and non-polar, with methionine, which is neutral and non-polar, at codon 509 of the MFN2 protein (p.Val509Met). This variant is not present in population databases (gnomAD no frequency). This variant has not been reported in the literature in individuals affected with MFN2-related conditions. Advanced modeling of protein sequence and biophysical properties (such as structural, functional, and spatial information, amino acid conservation, physicochemical variation, residue mobility, and thermodynamic stability) performed at Invitae indicates that this missense variant is expected to disrupt MFN2 protein function with a positive predictive value of 80%. In summary, the available evidence is currently insufficient to determine the role of this variant in disease. Therefore, it has been classified as a Variant of Uncertain Significance.